The following is an entry in ClinVar:

ClinVar aggregate classification (germline): Uncertain significance. Review status: criteria provided, multiple submitters, no conflicts (2 of 4 stars). 3 submissions from 3 submitters: Uncertain significance (2). 1 of the submissions does not count toward it. Last evaluated 2025-12-22.

Conditions:
Cystic fibrosis (CF). Also called: MUCOVISCIDOSIS. Identifiers: Orphanet 586, MedGen C0010674, MONDO:0009061, OMIM 219700. Disease mechanism: loss of function.

Allele frequency attached by ClinVar (database versions not stated): gnomAD exomes 0.00001.
gnomAD v4.1: 2 of 1,521,192 alleles (0.00013%); highest among the groups gnomAD compares: East Asian, 0.0045%; no homozygotes.

Submissions (3):

Ambry Genetics
Classification: Uncertain significance for Cystic fibrosis. Last evaluated: 2025-12-22. Review status: criteria provided, single submitter. Criteria: Ambry Variant Classification Scheme 2023. Collection method: clinical testing. Allele origin: germline.
Comment: The p.L796P variant (also known as c.2387T>C), located in coding exon 14 of the CFTR gene, results from a T to C substitution at nucleotide position 2387. The leucine at codon 796 is replaced by proline, an amino acid with similar properties. This amino acid position is not well conserved in available vertebrate species. In addition, the in silico prediction for this alteration is inconclusive. Based on the available evidence, the clinical significance of this variant remains unclear.

Labcorp Genetics (formerly Invitae), Labcorp
Classification: Uncertain significance for Cystic fibrosis. Last evaluated: 2021-08-27. Review status: criteria provided, single submitter. Criteria: Invitae Variant Classification Sherloc (09022015). Collection method: clinical testing. Allele origin: germline.
Comment: This sequence change replaces leucine with proline at codon 796 of the CFTR protein (p.Leu796Pro). The leucine residue is weakly conserved and there is a moderate physicochemical difference between leucine and proline. This variant is not present in population databases (ExAC no frequency). This variant has not been reported in the literature in individuals affected with CFTR-related conditions. Algorithms developed to predict the effect of missense changes on protein structure and function are either unavailable or do not agree on the potential impact of this missense change (SIFT: "Tolerated"; PolyPhen-2: "Possibly Damaging"; Align-GVGD: "Class C0"). In summary, the available evidence is currently insufficient to determine the role of this variant in disease. Therefore, it has been classified as a Variant of Uncertain Significance.

Natera, Inc.
Classification: Uncertain significance for Cystic Fibrosis. Last evaluated: 2019-05-24. Review status: no assertion criteria provided. Collection method: clinical testing. Allele origin: germline. Not counted in ClinVar's aggregate classification.

NM_000492.4(CFTR):c.2387T>C (p.Leu796Pro)

Gene: CFTR (CF transmembrane conductance regulator; plus strand). Cytogenetic location: 7q31.2.
Variant type: single nucleotide variant.
Coding change: c.2387T>C on transcript NM_000492.4 (MANE Select); coding-DNA position 2387, T replaced by C.
Protein change: p.Leu796Pro; replaces leucine 796 with proline.
Molecular consequence: missense variant.
Genome position (GRCh38, 1-based): chr7:117,592,554, T>C. VCF-style: chr7-117592554-T-C. GRCh37 (hg19) VCF-style: chr7-117232608-T-C.
Other names: short protein forms L796P.
Identifiers: ClinVar variation 860104 (VCV000860104.9), dbSNP rs1291965190, ClinGen allele CA368981104.